The following is an entry in ClinVar:

NM_032119.4(ADGRV1):c.1419T>G (p.Asp473Glu)

Gene: ADGRV1 (adhesion G protein-coupled receptor V1; plus strand). Cytogenetic location: 5q14.3.
Variant type: single nucleotide variant.
Coding change: c.1419T>G on transcript NM_032119.4 (MANE Select); coding-DNA position 1419, T replaced by G.
Protein change: p.Asp473Glu; replaces aspartic acid 473 with glutamic acid.
Molecular consequence: missense variant. On other transcripts: non-coding transcript variant (1).
Genome position (GRCh38, 1-based): chr5:90,628,742, T>G. VCF-style: chr5-90628742-T-G. GRCh37 (hg19) VCF-style: chr5-89924559-T-G.
Other names: short protein forms D473E.
Identifiers: ClinVar variation 907032 (VCV000907032.16), dbSNP rs771484121, ClinGen allele CA3338685.
Genomic context (GRCh38, chr5:90,628,742, plus strand): 5'-TGGAGTTCTCCATTTTGCACAAGGGCAGATGTTGGCAACAATTCCTCTTACTGTGGTTGA[T>G]GATGATCTTCCAGAAGAGGCAGAAGCTTATCTACTTCAAATTCTGCCTCATACAATACGA-3'
Protein context (NP_115495.3, residues 463-483): MLATIPLTVV[Asp473Glu]DDLPEEAEAY

ClinVar aggregate classification (germline): Conflicting classifications of pathogenicity. Review status: criteria provided, conflicting classifications (1 of 4 stars). 4 submissions from 4 submitters: Uncertain significance (2); Likely benign (2). Last evaluated 2026-01-25.

Conditions:
Usher syndrome type 2C. Also called: Usher syndrome, type 2B; USHER SYNDROME, TYPE IIC. Identifiers: Orphanet 231178, Orphanet 886, MedGen C2931213, MONDO:0011558, OMIM 605472.

Allele frequency attached by ClinVar (database versions not stated): TOPMed 0.00002; gnomAD 0.00001 and 0.00004; gnomAD exomes 0.00008 and 0.00015; ExAC 0.00018.
gnomAD v4.1: 127 of 1,614,006 alleles (0.0079%); highest among the groups gnomAD compares: South Asian, 0.08%; no homozygotes.

Submissions (4):

Labcorp Genetics (formerly Invitae), Labcorp
Classification: Likely benign. Last evaluated: 2026-01-25. Review status: criteria provided, single submitter. Criteria: Invitae Variant Classification Sherloc (09022015). Collection method: clinical testing. Allele origin: germline.

Blueprint Genetics
Classification: Uncertain significance. Last evaluated: 2022-11-01. Review status: criteria provided, single submitter. Criteria: ACMG Guidelines, 2015. Collection method: clinical testing. Allele origin: germline.

GeneDx
Classification: Likely benign. Last evaluated: 2021-12-11. Review status: criteria provided, single submitter. Criteria: GeneDx Variant Classification Process June 2021. Collection method: clinical testing. Allele origin: germline. Affected: yes.
Comment: See Variant Classification Assertion Criteria.

Illumina Laboratory Services, Illumina
Classification: Uncertain significance for Usher syndrome type 2C. Last evaluated: 2018-01-13. Review status: criteria provided, single submitter. Criteria: ICSL Variant Classification Criteria 13 December 2019. Collection method: clinical testing. Allele origin: germline.